The following is an entry in ClinVar:

ClinVar aggregate classification (germline): Uncertain significance (1 of 4 stars; one submission).

Allele frequency attached by ClinVar (database versions not stated): gnomAD exomes below 0.00001; ExAC 0.00001.
gnomAD v4.1: 1 of 1,611,804 alleles (0.000062%); highest among the groups gnomAD compares: Non-Finnish European, 0.000085%; no homozygotes.

Submission:

Labcorp Genetics (formerly Invitae), Labcorp
Classification: Uncertain significance. Last evaluated: 2023-07-07. Review status: criteria provided, single submitter. Criteria: Invitae Variant Classification Sherloc (09022015). Collection method: clinical testing. Allele origin: germline.
Comment: In summary, the available evidence is currently insufficient to determine the role of this variant in disease. Therefore, it has been classified as a Variant of Uncertain Significance. Advanced modeling of protein sequence and biophysical properties (such as structural, functional, and spatial information, amino acid conservation, physicochemical variation, residue mobility, and thermodynamic stability) performed at Invitae indicates that this missense variant is not expected to disrupt TNNI3K protein function. This sequence change replaces serine, which is neutral and polar, with leucine, which is neutral and non-polar, at codon 543 of the TNNI3K protein (p.Ser543Leu). This variant is present in population databases (rs267598714, gnomAD 0.0009%). This variant has not been reported in the literature in individuals affected with TNNI3K-related conditions.

NM_015978.3(TNNI3K):c.1628C>T (p.Ser543Leu)

Genes: FPGT-TNNI3K (FPGT-TNNI3K readthrough; plus strand), TNNI3K (TNNI3 interacting kinase; plus strand). Cytogenetic location: 1p31.1.
Variant type: single nucleotide variant.
Coding change: c.1628C>T on transcript NM_015978.3 (MANE Select); coding-DNA position 1628, C replaced by T.
Protein change: p.Ser543Leu; replaces serine 543 with leucine.
Molecular consequence: missense variant.
Genome position (GRCh38, 1-based): chr1:74,369,546, C>T. VCF-style: chr1-74369546-C-T. GRCh37 (hg19) VCF-style: chr1-74835230-C-T.
Other names: c.1931C>T, p.Ser644Leu (NM_001112808.3, NM_001199327.2); short protein forms S543L, S644L.
Identifiers: ClinVar variation 2792295 (VCV002792295.3), dbSNP rs267598714, ClinGen allele CA909339.
Genomic context (GRCh38, chr1:74,369,546, plus strand): 5'-AGTTTGTGGGTGCTTGCTTGAATGATCCCAGCCAGTTTGCCATTGTCACTCAATACATAT[C>T]AGGGGGTTCTCTGTTCTCCCTCCTTCATGAGCAGAAGAGGTATGGGTCTTTTGTTCTGAT-3'
Protein context (NP_057062.1, residues 533-553): SQFAIVTQYI[Ser543Leu]GGSLFSLLHE